The following is an entry in ClinVar:

NM_000268.4(NF2):c.287T>A (p.Phe96Tyr)

Gene: NF2 (NF2, moesin-ezrin-radixin like (MERLIN) tumor suppressor; plus strand). Cytogenetic location: 22q12.2.
Variant type: single nucleotide variant.
Coding change: c.287T>A on transcript NM_000268.4 (MANE Select); coding-DNA position 287, T replaced by A.
Protein change: p.Phe96Tyr; replaces phenylalanine 96 with tyrosine.
Molecular consequence: missense variant. On other transcripts: 5 prime UTR variant (1), intron variant (8).
Genome position (GRCh38, 1-based): chr22:29,639,136, T>A. VCF-style: chr22-29639136-T-A. GRCh37 (hg19) VCF-style: chr22-30035125-T-A.
Other names: c.173T>A, p.Phe58Tyr (NM_001407053.1, NM_001407056.1); c.161T>A, p.Phe54Tyr (NM_001407055.1, NM_181828.3); c.287T>A, p.Phe96Tyr (NM_001407057.1, NM_001407059.1, NM_001407060.1 and 5 more transcripts); c.-354T>A (NM_001407065.1); c.56T>A, p.Phe19Tyr (NM_001407067.1); c.240+2260T>A (NM_001407058.1, NM_181829.3, NM_001407054.1 and 1 more transcripts); c.115-3066T>A (NM_001407063.1, NM_181830.3, NM_001407064.1 and 1 more transcripts); short protein forms F96Y, F19Y, F54Y, F58Y.
Identifiers: ClinVar variation 4661204 (VCV004661204.1).

ClinVar aggregate classification (germline): Uncertain significance (1 of 4 stars; one submission).

Conditions:
Hereditary cancer-predisposing syndrome. Also called: Neoplastic Syndromes, Hereditary; Tumor predisposition; Hereditary Cancer Syndrome; Hereditary neoplastic syndrome. Identifiers: Orphanet 140162, MedGen C0027672, MeSH D009386, MONDO:0015356.

gnomAD v4.1: 1 of 1,614,196 alleles (0.000062%); highest among the groups gnomAD compares: Admixed American, 0.0017%; no homozygotes.

Submission:

Ambry Genetics
Classification: Uncertain significance for Hereditary cancer-predisposing syndrome. Last evaluated: 2025-11-20. Review status: criteria provided, single submitter. Criteria: Ambry Variant Classification Scheme 2023. Collection method: clinical testing. Allele origin: germline.
Comment: The p.F96Y variant (also known as c.287T>A), located in coding exon 3 of the NF2 gene, results from a T to A substitution at nucleotide position 287. The phenylalanine at codon 96 is replaced by tyrosine, an amino acid with highly similar properties. This amino acid position is conserved. In addition, this alteration is predicted to be deleterious by in silico analysis. Based on the available evidence, the clinical significance of this variant remains unclear.